The following is an entry in ClinVar:

ClinVar aggregate classification (germline): Uncertain significance (1 of 4 stars; one submission).

Submission:

Ambry Genetics
Classification: Uncertain significance. Last evaluated: 2021-11-05. Review status: criteria provided, single submitter. Criteria: Ambry Variant Classification Scheme 2023. Collection method: clinical testing. Allele origin: germline.
Comment: The p.Q867P variant (also known as c.2600A>C), located in coding exon 4 of the ALPK2 gene, results from an A to C substitution at nucleotide position 2600. The glutamine at codon 867 is replaced by proline, an amino acid with similar properties. This amino acid position is conserved. In addition, this alteration is predicted to be tolerated by in silico analysis. Since supporting evidence is limited at this time, the clinical significance of this alteration remains unclear.

NM_052947.4(ALPK2):c.2600A>C (p.Gln867Pro)

Gene: ALPK2 (alpha kinase 2; minus strand). Cytogenetic location: 18q21.31.
Variant type: single nucleotide variant.
Coding change: c.2600A>C on transcript NM_052947.4 (MANE Select); coding-DNA position 2600, A replaced by C.
Protein change: p.Gln867Pro; replaces glutamine 867 with proline.
Molecular consequence: missense variant.
Genome position (GRCh38, 1-based): chr18:58,537,587, T>G on the plus strand (A>C on the coding strand, the complement: ALPK2 is on the minus strand). VCF-style: chr18-58537587-T-G. GRCh37 (hg19) VCF-style: chr18-56204819-T-G.
Other names: short protein forms Q867P.
Identifiers: ClinVar variation 1793668 (VCV001793668.2), dbSNP rs764215720, ClinGen allele CA402570182.